The following is an entry in ClinVar:

ClinVar aggregate classification (germline): Uncertain significance. Review status: criteria provided, multiple submitters, no conflicts (2 of 4 stars). 2 submissions from 2 submitters: Uncertain significance (2). Last evaluated 2026-05-27.

Conditions:
Inborn genetic diseases. Identifiers: MedGen C0950123, MeSH D030342.

Allele frequency attached by ClinVar (database versions not stated): 1000 Genomes Project 30x 0.00016.
gnomAD v4.1: 13 of 1,614,006 alleles (0.00081%); highest among the groups gnomAD compares: East Asian, 0.0022%; no homozygotes.

Submissions (2):

Ambry Genetics
Classification: Uncertain significance for Inborn genetic diseases. Last evaluated: 2026-05-27. Review status: criteria provided, single submitter. Criteria: Ambry Variant Classification Scheme 2023. Collection method: clinical testing. Allele origin: germline.
Comment: The p.G48S variant (also known as c.142G>A), located in coding exon 1 of the ANKRD26 gene, results from a G to A substitution at nucleotide position 142. The glycine at codon 48 is replaced by serine, an amino acid with similar properties. This amino acid position is conserved. In addition, this alteration is predicted to be tolerated by in silico analysis. Based on the available evidence, the clinical significance of this variant remains unclear.

GeneDx
Classification: Uncertain significance. Last evaluated: 2023-01-25. Review status: criteria provided, single submitter. Criteria: GeneDx Variant Classification Process June 2021. Collection method: clinical testing. Allele origin: germline. Affected: yes.
Comment: Not observed at significant frequency in large population cohorts (gnomAD); In silico analysis supports that this missense variant has a deleterious effect on protein structure/function; Has not been previously published as pathogenic or benign to our knowledge

NM_014915.3(ANKRD26):c.142G>A (p.Gly48Ser)

Genes: ANKRD26 (ankyrin repeat domain 26; minus strand), LOC130003554 (ATAC-STARR-seq lymphoblastoid silent region 2243; plus strand). Cytogenetic location: 10p12.1.
Variant type: single nucleotide variant.
Coding change: c.142G>A on transcript NM_014915.3 (MANE Select); coding-DNA position 142, G replaced by A.
Protein change: p.Gly48Ser; replaces glycine 48 with serine.
Molecular consequence: missense variant.
Genome position (GRCh38, 1-based): chr10:27,100,185, C>T on the plus strand (G>A on the coding strand, the complement: ANKRD26 is on the minus strand). VCF-style: chr10-27100185-C-T. GRCh37 (hg19) VCF-style: chr10-27389114-C-T.
Other names: c.142G>A, p.Gly48Ser (NM_001256053.2); short protein forms G48S.
Identifiers: ClinVar variation 2574353 (VCV002574353.2), dbSNP rs200494146, ClinGen allele CA376369700.